The following is an entry in ClinVar:

NM_000258.3(MYL3):c.466G>A (p.Val156Met)

Gene: MYL3 (myosin light chain 3; minus strand). Cytogenetic location: 3p21.31.
Variant type: single nucleotide variant.
Coding change: c.466G>A on transcript NM_000258.3 (MANE Select); coding-DNA position 466, G replaced by A.
Protein change: p.Val156Met; replaces valine 156 with methionine.
Molecular consequence: missense variant.
Genome position (GRCh38, 1-based): chr3:46,859,490, C>T on the plus strand (G>A on the coding strand, the complement: MYL3 is on the minus strand). VCF-style: chr3-46859490-C-T. GRCh37 (hg19) VCF-style: chr3-46900980-C-T.
Other names: p.V156M:GTG>ATG; short protein forms V156M.
Identifiers: ClinVar variation 31778 (VCV000031778.50), dbSNP rs199474707, ClinGen allele CA013880.

ClinVar aggregate classification (germline): Conflicting classifications of pathogenicity. Review status: criteria provided, conflicting classifications (1 of 4 stars). 15 submissions from 15 submitters: Pathogenic (2); Likely pathogenic (5); Uncertain significance (6). 2 of the submissions do not count toward it. Last evaluated 2026-08-26.

Conditions:
MYL3-related disorder. Also called: MYL3-related condition.
Increased left ventricular wall thickness.
Cardiovascular phenotype. Identifiers: MedGen CN230736.
Cardiomyopathy (CMYO). Also called: Cardiomyopathies. Identifiers: Orphanet 167848, MedGen C0878544, MONDO:0004994, HP:0001638. Inheritance: Various modes of inheritance.
Hypertrophic cardiomyopathy 8. Also called: MYL3-Related Familial Hypertrophic Cardiomyopathy; CARDIOMYOPATHY, HYPERTROPHIC, MID-LEFT VENTRICULAR CHAMBER TYPE, 1. Identifiers: MedGen C1837471, MONDO:0012111, OMIM 608751.
Hypertrophic cardiomyopathy. Also called: HYPERTROPHIC MYOCARDIOPATHY. Identifiers: Orphanet 217569, MedGen C0007194, MeSH D002312, MONDO:0005045, HP:0001639.

Allele frequency attached by ClinVar (database versions not stated): gnomAD 0.00005 and 0.00004; TOPMed 0.00005; ExAC 0.00002; ESP Exome Variant Server 0.00008.

Submissions 1 to 10 of 15:

PreventionGenetics, part of Exact Sciences
Classification: Uncertain significance for MYL3-related condition. Last evaluated: 2026-08-26. Review status: criteria provided, single submitter. Criteria: ACMG Guidelines, 2015. Collection method: clinical testing. Allele origin: germline.
Comment: The MYL3 c.466G>A variant is predicted to result in the amino acid substitution p.Val156Met. This variant has been reported in multiple individuals with increased left ventricular wall thickness; however, normal left ventricular wall thickness was observed in some of the individuals (Morita et al. 2006. PubMed ID: 16754800; Supplemental Material, Bick et al. 2012. PubMed ID: 22958901). This variant was also reported in individuals with hypertrophic cardiomyopathy (Supplemental Table, Ho et al. 2013. PubMed ID: 23549607; Berge and Leren. 2014. PubMed ID: 24111713; Table S1B, Walsh et al. 2017. PubMed ID: 27532257). However, no functional studies were performed to support the pathogenicity of this variant. This variant is reported in 0.0040% of alleles in individuals of African descent in gnomAD and it has conflicting classifications listed in ClinVar ranging from uncertain to pathogenic (Variation ID: 31778). At this time, the clinical significance of this variant is uncertain due to the absence of conclusive functional and genetic evidence.

Labcorp Genetics (formerly Invitae), Labcorp
Classification: Pathogenic for Hypertrophic cardiomyopathy. Last evaluated: 2026-01-24. Review status: criteria provided, single submitter. Criteria: Invitae Variant Classification Sherloc (09022015). Collection method: clinical testing. Allele origin: germline.
Comment: This sequence change replaces valine, which is neutral and non-polar, with methionine, which is neutral and non-polar, at codon 156 of the MYL3 protein (p.Val156Met). This variant is present in population databases (rs199474707, gnomAD 0.004%). This missense change has been observed in individuals with clinical features of autosomal dominant hypertrophic cardiomyopathy (PMID: 16754800, 23549607, 24111713, 27532257; internal data). ClinVar contains an entry for this variant (Variation ID: 31778). An algorithm developed to predict the effect of missense changes on protein structure and function (PolyPhen-2) suggests that this variant is likely to be disruptive. This variant disrupts the p.Val156 amino acid residue in MYL3. Other variant(s) that disrupt this residue have been determined to be pathogenic (PMID: 25132132, 25611685, 27532257, 31737537). This suggests that this residue is clinically significant, and that variants that disrupt this residue are likely to be disease-causing. For these reasons, this variant has been classified as Pathogenic.

Color Diagnostics, LLC DBA Color Health
Classification: Likely pathogenic for Cardiomyopathy. Last evaluated: 2025-08-07. Review status: criteria provided, single submitter. Criteria: ACMG Guidelines, 2015. Collection method: clinical testing. Allele origin: germline.
Comment: This missense variant replaces valine with methionine at codon 156 in the EF-hand domain of the MYL3 protein. Computational prediction tools indicate that this variant has a deleterious impact on protein structure and function. To our knowledge, functional studies have not been reported for this variant. This variant has been reported in at least six individuals affected with hypertrophic cardiomyopathy (PMID: 23549607, 24111713, 27532257, 33495597, 37466024ClinVar SCV000254449.8, SCV000740626.1), and in one individual affected with increased left ventricular wall thickness (PMID: 16754800). This variant has been identified in 6/282752 chromosomes in the general population by the Genome Aggregation Database (gnomAD). A different variant affecting the same codon, p.Val156Leu, is considered to be disease-causing (ClinVar variation ID: 177841), suggesting that valine at this position is important for MYL3 protein function. Based on the available evidence, this variant is classified as Likely Pathogenic.

Ambry Genetics
Classification: Likely pathogenic for Cardiovascular phenotype. Last evaluated: 2025-08-05. Review status: criteria provided, single submitter. Criteria: Ambry Variant Classification Scheme 2023. Collection method: clinical testing. Allele origin: germline.
Comment: The p.V156M variant (also known as c.466G>A), located in coding exon 4 of the MYL3 gene, results from a G to A substitution at nucleotide position 466. The valine at codon 156 is replaced by methionine, an amino acid with highly similar properties. This alteration has been reported in individuals with hypertrophic cardiomyopathy (HCM) (Berge KE et al. Clin Genet, 2014 Oct;86:355-60; Walsh R et al. Genet Med, 2017 Feb;19:192-203; Oktay V et al. Anatol J Cardiol. 2023 Nov 1;27(11):628-638; external communication; Ambry internal data). This amino acid position is highly conserved in available vertebrate species. In addition, this alteration is predicted to be deleterious by in silico analysis. Based on the majority of available evidence to date, this variant is likely to be pathogenic.

Blueprint Genetics
Classification: Uncertain significance. Last evaluated: 2024-11-08. Review status: criteria provided, single submitter. Criteria: ACMG Guidelines, 2015. Collection method: clinical testing. Allele origin: germline.

GeneDx
Classification: Uncertain significance. Last evaluated: 2024-11-06. Review status: criteria provided, single submitter. Criteria: GeneDx Variant Classification Process June 2021. Collection method: clinical testing. Allele origin: germline. Affected: yes.
Comment: Identified in several unrelated patients with HCM or other cardiac findings (PMID: 16754800, 23594557, 24111713, 25637381, 27532257, 23549607); Not observed at significant frequency in large population cohorts (gnomAD); In silico analysis supports that this missense variant has a deleterious effect on protein structure/function; This variant is associated with the following publications: (PMID: 25637381, 24111713, 16754800, 23594557, 27532257, 23549607, 35653365, 30665703, 37652022)

Institute of Human Genetics, University of Leipzig Medical Center
Classification: Uncertain significance for Hypertrophic cardiomyopathy 8. Last evaluated: 2024-10-02. Review status: criteria provided, single submitter. Criteria: ACMG Guidelines, 2015. Collection method: clinical testing. Allele origin: unknown. Affected: yes.
Comment: Criteria applied: PM5,PP3

Molecular Diagnostic Laboratory for Inherited Cardiovascular Disease, Montreal Heart Institute
Classification: Pathogenic for Cardiovascular phenotype. Last evaluated: 2024-07-05. Review status: criteria provided, single submitter. Criteria: ACMG Guidelines, 2015. Collection method: clinical testing. Allele origin: germline. Affected: yes.
Comment: PS4, PM2, PM5, PP2, PP3

All of Us Research Program, National Institutes of Health
Classification: Uncertain significance for Hypertrophic cardiomyopathy. Last evaluated: 2023-08-15. Review status: criteria provided, single submitter. Criteria: ACMG Guidelines, 2015. Collection method: clinical testing. Allele origin: germline. Inheritance: Autosomal dominant inheritance. Observed: 10 variant alleles, 10 heterozygotes.
Comment: This missense variant replaces valine with methionine at codon 156 of the MYL3 protein. Computational prediction suggests that this variant may have deleterious impact on protein structure and function (internally defined REVEL score threshold >= 0.7, PMID: 27666373). To our knowledge, functional studies have not been reported for this variant. This variant has been reported in several individuals affected with hypertrophic cardiomyopathy (PMID: 23549607, 24111713, 27532257, 33495597) and in an individual showing early signs of left ventricular wall thickening (PMID 16754800). This variant has been identified in 6/282752 chromosomes in the general population by the Genome Aggregation Database (gnomAD). The available evidence is insufficient to determine the role of this variant in disease conclusively. Therefore, this variant is classified as a Variant of Uncertain Significance.

This study involves interpretation of variants in research participants for the purpose of population health screening. Participant phenotype was not available at the time of variant classification. Additional details can be found in publication PMID: 35346344, PMCID: PMC8962531

CHEO Genetics Diagnostic Laboratory, Children's Hospital of Eastern Ontario
Classification: Likely pathogenic for Cardiomyopathy. Last evaluated: 2023-03-21. Review status: criteria provided, single submitter. Criteria: ACMG Guidelines, 2015. Collection method: clinical testing. Allele origin: germline. Study: Canadian Open Genetics Repository.